The following is an entry in ClinVar:

ClinVar aggregate classification (germline): Uncertain significance (1 of 4 stars; one submission).

Allele frequency attached by ClinVar (database versions not stated): gnomAD exomes below 0.00001.

Submission:

Labcorp Genetics (formerly Invitae), Labcorp
Classification: Uncertain significance. Last evaluated: 2022-01-16. Review status: criteria provided, single submitter. Criteria: Invitae Variant Classification Sherloc (09022015). Collection method: clinical testing. Allele origin: germline.
Comment: This variant is not present in population databases (gnomAD no frequency). This sequence change replaces proline, which is neutral and non-polar, with alanine, which is neutral and non-polar, at codon 33 of the LRRC56 protein (p.Pro33Ala). This variant has not been reported in the literature in individuals affected with LRRC56-related conditions. In summary, the available evidence is currently insufficient to determine the role of this variant in disease. Therefore, it has been classified as a Variant of Uncertain Significance. Algorithms developed to predict the effect of missense changes on protein structure and function are either unavailable or do not agree on the potential impact of this missense change (SIFT: "Tolerated"; PolyPhen-2: "Probably Damaging"; Align-GVGD: "Class C0").

NM_198075.4(LRRC56):c.97C>G (p.Pro33Ala)

Gene: LRRC56 (leucine rich repeat containing 56; plus strand). Cytogenetic location: 11p15.5.
Variant type: single nucleotide variant.
Coding change: c.97C>G on transcript NM_198075.4 (MANE Select); coding-DNA position 97, C replaced by G.
Protein change: p.Pro33Ala; replaces proline 33 with alanine.
Molecular consequence: missense variant.
Genome position (GRCh38, 1-based): chr11:540,781, C>G. VCF-style: chr11-540781-C-G. GRCh37 (hg19) VCF-style: chr11-540781-C-G.
Other names: short protein forms P33A.
Identifiers: ClinVar variation 2085483 (VCV002085483.4), dbSNP rs2539848006, ClinGen allele CA378930860.